The following is an entry in ClinVar:

NM_004656.4(BAP1):c.1380A>G (p.Ser460=)

Gene: BAP1 (BRCA1 associated deubiquitinase 1; minus strand). Cytogenetic location: 3p21.1.
Variant type: single nucleotide variant.
Coding change: c.1380A>G on transcript NM_004656.4 (MANE Select); coding-DNA position 1380, A replaced by G.
Protein change: p.Ser460=; no amino-acid change (serine 460 retained).
Molecular consequence: synonymous variant.
Genome position (GRCh38, 1-based): chr3:52,403,765, T>C on the plus strand (A>G on the coding strand, the complement: BAP1 is on the minus strand). VCF-style: chr3-52403765-T-C. GRCh37 (hg19) VCF-style: chr3-52437781-T-C.
Other names: c.1380A>G (NM_004656.2).
Identifiers: ClinVar variation 1579519 (VCV001579519.11), dbSNP rs2153226743, ClinGen allele CA433886360.

ClinVar aggregate classification (germline): Benign/Likely benign. Review status: criteria provided, multiple submitters, no conflicts (2 of 4 stars). 3 submissions from 3 submitters: Benign (1); Likely benign (2). Last evaluated 2024-07-16.

Conditions:
Hereditary cancer-predisposing syndrome. Also called: Tumor predisposition; Neoplastic Syndromes, Hereditary; Hereditary Cancer Syndrome; Hereditary neoplastic syndrome. Identifiers: Orphanet 140162, MedGen C0027672, MeSH D009386, MONDO:0015356.
BAP1-related tumor predisposition syndrome (TPDS1). Also called: Tumor susceptibility linked to germline BAP1 mutations; BAP1 tumor predisposition syndrome; COMMON Syndrome; TUMOR PREDISPOSITION SYNDROME 1. Identifiers: Orphanet 289539, MedGen C3280492, MONDO:0013692, OMIM 614327.

Submissions (3):

Myriad Genetics, Inc.
Classification: Benign for BAP1-related tumor predisposition syndrome. Last evaluated: 2024-07-16. Review status: criteria provided, single submitter. Criteria: Myriad Autosomal Dominant, Autosomal Recessive and X-Linked Classification Criteria (2023). Collection method: clinical testing. Allele origin: unknown.
Comment: This variant is considered benign. This variant is a silent/synonymous amino acid change and it is not expected to impact splicing.

Labcorp Genetics (formerly Invitae), Labcorp
Classification: Likely benign for BAP1-related tumor predisposition syndrome. Last evaluated: 2024-05-08. Review status: criteria provided, single submitter. Criteria: Invitae Variant Classification Sherloc (09022015). Collection method: clinical testing. Allele origin: germline.

Ambry Genetics
Classification: Likely benign for Hereditary cancer-predisposing syndrome. Last evaluated: 2022-11-05. Review status: criteria provided, single submitter. Criteria: Ambry Variant Classification Scheme 2023. Collection method: clinical testing. Allele origin: germline.